The following is an entry in ClinVar:

ClinVar aggregate classification (germline): Pathogenic (1 of 4 stars; one submission).

Conditions:
Marfan syndrome (MFS). Also called: MARFAN SYNDROME, TYPE I; Marfan syndrome type 1; Marfan's syndrome; Marfan syndrome, classic; FBN1-Related Marfan Syndrome. Identifiers: Orphanet 284963, Orphanet 558, MedGen C0024796, MONDO:0007947, OMIM 154700.
Familial thoracic aortic aneurysm and aortic dissection (TAAD). Also called: Thoracic aortic aneurysms and dissections. Identifiers: Orphanet 91387, MedGen C4707243, MONDO:0019625.

Submission:

Labcorp Genetics (formerly Invitae), Labcorp
Classification: Pathogenic for Marfan syndrome; Familial thoracic aortic aneurysm and aortic dissection. Last evaluated: 2021-12-23. Review status: criteria provided, single submitter. Criteria: Invitae Variant Classification Sherloc (09022015). Collection method: clinical testing. Allele origin: germline.
Comment: This sequence change creates a premature translational stop signal (p.Asp2104*) in the FBN1 gene. It is expected to result in an absent or disrupted protein product. Loss-of-function variants in FBN1 are known to be pathogenic (PMID: 17657824, 19293843). This variant is not present in population databases (gnomAD no frequency). This variant has not been reported in the literature in individuals affected with FBN1-related conditions. For these reasons, this variant has been classified as Pathogenic.

Literature cited by the submitters: PubMed 17657824; PubMed 19293843.

NM_000138.5(FBN1):c.6309dup (p.Asp2104Ter)

Gene: FBN1 (fibrillin 1; minus strand). Cytogenetic location: 15q21.1.
Variant type: Duplication.
Coding change: c.6309dup on transcript NM_000138.5 (MANE Select); coding-DNA position 6309, one base duplicated (T; older notation c.6309dupT).
Protein change: p.Asp2104Ter; replaces aspartic acid 2104 with a stop codon.
Molecular consequence: nonsense.
Genome position (GRCh38, 1-based): chr15:48,437,772, A duplicated on the plus strand (T on the coding strand, the reverse complement: FBN1 is on the minus strand). VCF-style (leftmost placement, unchanged base first): chr15-48437771-C-CA. GRCh37 (hg19) VCF-style: chr15-48729968-C-CA.
Other names: short protein forms D2104*.
Identifiers: ClinVar variation 1426876 (VCV001426876.6), dbSNP rs2141241409, ClinGen allele CA2573150936.